The following is an entry in ClinVar:

ClinVar aggregate classification (germline): Uncertain significance (1 of 4 stars; one submission).

Allele frequency attached by ClinVar (database versions not stated): ExAC 0.00002; gnomAD exomes 0.00003; TOPMed 0.00004; ESP Exome Variant Server 0.00008.
gnomAD v4.1: 55 of 1,614,068 alleles (0.0034%); highest among the groups gnomAD compares: Middle Eastern, 0.016%; no homozygotes.

Submission:

Labcorp Genetics (formerly Invitae), Labcorp
Classification: Uncertain significance. Last evaluated: 2022-04-24. Review status: criteria provided, single submitter. Criteria: Invitae Variant Classification Sherloc (09022015). Collection method: clinical testing. Allele origin: germline.
Comment: This sequence change replaces proline, which is neutral and non-polar, with threonine, which is neutral and polar, at codon 193 of the SEC24D protein (p.Pro193Thr). This variant is present in population databases (rs148096300, gnomAD 0.006%). This variant has not been reported in the literature in individuals affected with SEC24D-related conditions. Algorithms developed to predict the effect of missense changes on protein structure and function are either unavailable or do not agree on the potential impact of this missense change (SIFT: "Not Available"; PolyPhen-2: "Benign"; Align-GVGD: "Not Available"). In summary, the available evidence is currently insufficient to determine the role of this variant in disease. Therefore, it has been classified as a Variant of Uncertain Significance.

NM_014822.4(SEC24D):c.577C>A (p.Pro193Thr)

Gene: SEC24D (SEC24 homolog D, COPII coat complex component; minus strand). Cytogenetic location: 4q26.
Variant type: single nucleotide variant.
Coding change: c.577C>A on transcript NM_014822.4 (MANE Select); coding-DNA position 577, C replaced by A.
Protein change: p.Pro193Thr; replaces proline 193 with threonine.
Molecular consequence: missense variant.
Genome position (GRCh38, 1-based): chr4:118,815,547, G>T on the plus strand (C>A on the coding strand, the complement: SEC24D is on the minus strand). VCF-style: chr4-118815547-G-T. GRCh37 (hg19) VCF-style: chr4-119736702-G-T.
Other names: c.577C>A, p.Pro193Thr (NM_001318066.2); short protein forms P193T.
Identifiers: ClinVar variation 2181703 (VCV002181703.1), dbSNP rs148096300, ClinGen allele CA3057511.